The following is an entry in ClinVar:

NM_000141.5(FGFR2):c.664G>A (p.Val222Ile)

Gene: FGFR2 (fibroblast growth factor receptor 2; minus strand). Cytogenetic location: 10q26.13.
Variant type: single nucleotide variant.
Coding change: c.664G>A on transcript NM_000141.5 (MANE Select); coding-DNA position 664, G replaced by A.
Protein change: p.Val222Ile; replaces valine 222 with isoleucine.
Molecular consequence: missense variant. On other transcripts: non-coding transcript variant (1).
Genome position (GRCh38, 1-based): chr10:121,538,676, C>T on the plus strand (G>A on the coding strand, the complement: FGFR2 is on the minus strand). VCF-style: chr10-121538676-C-T. GRCh37 (hg19) VCF-style: chr10-123298190-C-T.
Other names: c.664G>A, p.Val222Ile (NM_001144913.1, NM_001144914.1, NM_001144917.2 and 2 more transcripts); c.397G>A, p.Val133Ile (NM_001144915.2, NM_001144919.2, NM_023029.3); c.319G>A, p.Val107Ile (NM_001144916.2, NM_001144918.2); short protein forms V107I, V133I, V222I.
Identifiers: ClinVar variation 1721506 (VCV001721506.5), dbSNP rs2134606561, ClinGen allele CA378332496.
Genomic context (GRCh38, chr10:121,538,676, plus strand): 5'-GATTGATGGACCCGTATTCATTCTCCACTACACAGGTATAATTTCCCTTGTCAGATGGGA[C>T]CACACTTTCCATAATGAGGCTCCAGTGCTGGTTTCGTACCTGAAAAGATCAAAGCAAAGG-3'
Protein context (NP_000132.3, residues 212-232): QHWSLIMESV[Val222Ile]PSDKGNYTCV

ClinVar aggregate classification (germline): Uncertain significance (1 of 4 stars; one submission).

Conditions:
FGFR2-related craniosynostosis. Identifiers: MedGen CN231480.

Submission:

Labcorp Genetics (formerly Invitae), Labcorp
Classification: Uncertain significance for FGFR2-related craniosynostosis. Last evaluated: 2022-10-28. Review status: criteria provided, single submitter. Criteria: Invitae Variant Classification Sherloc (09022015). Collection method: clinical testing. Allele origin: germline.
Comment: In summary, the available evidence is currently insufficient to determine the role of this variant in disease. Therefore, it has been classified as a Variant of Uncertain Significance. Advanced modeling of protein sequence and biophysical properties (such as structural, functional, and spatial information, amino acid conservation, physicochemical variation, residue mobility, and thermodynamic stability) has been performed at Invitae for this missense variant, however the output from this modeling did not meet the statistical confidence thresholds required to predict the impact of this variant on FGFR2 protein function. This variant has not been reported in the literature in individuals affected with FGFR2-related conditions. This variant is not present in population databases (gnomAD no frequency). This sequence change replaces valine, which is neutral and non-polar, with isoleucine, which is neutral and non-polar, at codon 222 of the FGFR2 protein (p.Val222Ile).